The following is an entry in ClinVar:

ClinVar aggregate classification (germline): Uncertain significance. Review status: criteria provided, multiple submitters, no conflicts (2 of 4 stars). 2 submissions from 2 submitters: Uncertain significance (2). Last evaluated 2026-05-24.

Conditions:
TNXB-related disorder. Also called: TNXB-related condition.

Allele frequency attached by ClinVar (database versions not stated): ExAC 0.00007.

Submissions (2):

PreventionGenetics, part of Exact Sciences
Classification: Uncertain significance for TNXB-related condition. Last evaluated: 2026-05-24. Review status: criteria provided, single submitter. Criteria: ACMG Guidelines, 2015. Collection method: clinical testing. Allele origin: germline.
Comment: The TNXB c.12725G>T variant is predicted to result in the amino acid substitution p.Gly4242Val. This variant, along with variants in five other genes, has been reported in an individual from a study of victims of sudden cardiac death (Iglesias et al. 2021. PubMed ID: 33919104). This variant is reported in 0.0073% of alleles in individuals of European (Non-Finnish) descent in gnomAD. At this time, the clinical significance of this variant is uncertain due to the absence of conclusive functional and genetic evidence.

Mayo Clinic Laboratories, Mayo Clinic
Classification: Uncertain significance. Last evaluated: 2024-10-23. Review status: criteria provided, single submitter. Criteria: ACMG Guidelines, 2015. Collection method: clinical testing. Allele origin: germline. Observed: 2 variant alleles.
Comment: BP4

Literature cited by the submitters: PubMed 33919104 (cited by Mayo Clinic Laboratories, Mayo Clinic).

NM_001365276.2(TNXB):c.12731G>T (p.Gly4244Val)

Genes: CYP21A2 (cytochrome P450 family 21 subfamily A member 2; plus strand), TNXB (tenascin XB; minus strand). Cytogenetic location: 6p21.33.
Variant type: single nucleotide variant.
Coding change: c.12731G>T on transcript NM_001365276.2 (MANE Select); coding-DNA position 12731, G replaced by T.
Protein change: p.Gly4244Val; replaces glycine 4244 with valine.
Molecular consequence: missense variant. On other transcripts: 3 prime UTR variant (4).
Genome position (GRCh38, 1-based): chr6:32,041,353, C>A on the plus strand (G>T on the coding strand, the complement: TNXB is on the minus strand). VCF-style: chr6-32041353-C-A. GRCh37 (hg19) VCF-style: chr6-32009130-C-A.
Other names: p.Gly4242Val; c.12725G>T (NM_019105.6); c.*219C>A (NM_000500.9, NM_001128590.4, NM_001368143.2 and 1 more transcripts); c.12725G>T, p.Gly4242Val (NM_019105.8); c.2018G>T, p.Gly673Val (NM_032470.4); short protein forms G4242V, G4244V, G673V.
Identifiers: ClinVar variation 2682922 (VCV002682922.3), dbSNP rs752205332, ClinGen allele CA3732759.